The following is an entry in ClinVar:

NM_002608.4(PDGFB):c.273G>A (p.Pro91=)

Gene: PDGFB (platelet derived growth factor subunit B; minus strand). Cytogenetic location: 22q13.1.
Variant type: single nucleotide variant.
Coding change: c.273G>A on transcript NM_002608.4 (MANE Select); coding-DNA position 273, G replaced by A.
Protein change: p.Pro91=; no amino-acid change (proline 91 retained).
Molecular consequence: synonymous variant.
Genome position (GRCh38, 1-based): chr22:39,231,805, C>T on the plus strand (G>A on the coding strand, the complement: PDGFB is on the minus strand). VCF-style: chr22-39231805-C-T. GRCh37 (hg19) VCF-style: chr22-39627810-C-T.
Other names: c.228G>A, p.Pro76= (NM_033016.3).
Identifiers: ClinVar variation 1210104 (VCV001210104.7), dbSNP rs548805136, ClinGen allele CA10240156.

ClinVar aggregate classification (germline): Likely benign. Review status: criteria provided, single submitter (1 of 4 stars). 3 submissions from 3 submitters: Likely benign (1). 2 of the submissions do not count toward it. Last evaluated 2025-12-01.

Allele frequency attached by ClinVar (database versions not stated): gnomAD exomes 0.00002; ExAC 0.00003; gnomAD 0.00003 and 0.00004; TOPMed 0.00005; 1000 Genomes Project 30x 0.00016; 1000 Genomes Project 0.00020.
gnomAD v4.1: 32 of 1,613,414 alleles (0.002%); highest among the groups gnomAD compares: African/African-American, 0.0093%; no homozygotes.

Submissions (3):

CeGaT Center for Human Genetics Tuebingen
Classification: Likely benign. Last evaluated: 2025-12-01. Review status: criteria provided, single submitter. Criteria: CeGaT Center For Human Genetics Tuebingen Variant Classification Criteria Version 2. Collection method: clinical testing. Allele origin: germline. Affected: yes. Observed: 1 variant allele.
Comment: PDGFB: BP4, BP7

Clinical Genetics DNA and cytogenetics Diagnostics Lab, Erasmus MC, Erasmus Medical Center
Classification: Likely benign. Review status: no assertion criteria provided. Collection method: clinical testing. Allele origin: germline. Affected: yes. Study: VKGL Data-share Consensus. Not counted in ClinVar's aggregate classification.

Genome Diagnostics Laboratory, Amsterdam University Medical Center
Classification: Likely benign. Review status: no assertion criteria provided. Collection method: clinical testing. Allele origin: germline. Affected: yes. Study: VKGL Data-share Consensus. Not counted in ClinVar's aggregate classification.